The following is an entry in ClinVar:

ClinVar aggregate classification (germline): Likely benign. Review status: criteria provided, multiple submitters, no conflicts (2 of 4 stars). 4 submissions from 4 submitters: Likely benign (4). Last evaluated 2025-09-09.

Conditions:
Heterotopia, periventricular, X-linked dominant (PVNH1). Also called: PERIVENTRICULAR NODULAR HETEROTOPIA 1; X-linked periventricular heterotopia; PERIVENTRICULAR NODULAR HETEROTOPIA 4; HETEROTOPIA, PERIVENTRICULAR, 1. Identifiers: Orphanet 2149, Orphanet 82004, MedGen C1848213, MONDO:0010233, OMIM 300049.
Oto-palato-digital syndrome, type II (OPD2). Also called: OPD II SYNDROME; FACIOPALATOOSSEOUS SYNDROME; Otopalatodigital Syndrome, Type II; Otopalatodigital Syndrome Type 2 (FLNA-OPD2). Identifiers: Orphanet 669, Orphanet 90652, MedGen C1844696, MONDO:0010571, OMIM 304120.
Melnick-Needles syndrome (MNS). Also called: MELNICK-NEEDLES OSTEODYSPLASTY; OSTEODYSPLASTY OF MELNICK AND NEEDLES; Melnick-Needles Syndrome (FLNA-MNS). Identifiers: Orphanet 2484, MedGen C0025237, MONDO:0010650, OMIM 309350.
Frontometaphyseal dysplasia (FMD1). Identifiers: Orphanet 1826, MedGen C0265293, MONDO:0015942.
Familial thoracic aortic aneurysm and aortic dissection (TAAD). Also called: Thoracic aortic aneurysms and dissections. Identifiers: Orphanet 91387, MedGen C4707243, MONDO:0019625.

Submissions (4):

Labcorp Genetics (formerly Invitae), Labcorp
Classification: Likely benign for Oto-palato-digital syndrome, type II; Heterotopia, periventricular, X-linked dominant; Frontometaphyseal dysplasia; Melnick-Needles syndrome. Last evaluated: 2025-09-09. Review status: criteria provided, single submitter. Criteria: Invitae Variant Classification Sherloc (09022015). Collection method: clinical testing. Allele origin: germline.

Mayo Clinic Laboratories, Mayo Clinic
Classification: Likely benign. Last evaluated: 2025-05-14. Review status: criteria provided, single submitter. Criteria: ACMG Guidelines, 2015. Collection method: clinical testing. Allele origin: germline. Observed: 1 variant allele.
Comment: BP4, BP7, PM2_supporting

GeneDx
Classification: Likely benign. Last evaluated: 2020-02-19. Review status: criteria provided, single submitter. Criteria: GeneDx Variant Classification Process June 2021. Collection method: clinical testing. Allele origin: germline. Affected: yes.

Ambry Genetics
Classification: Likely benign for Familial thoracic aortic aneurysm and aortic dissection. Last evaluated: 2019-11-04. Review status: criteria provided, single submitter. Criteria: Ambry Variant Classification Scheme 2023. Collection method: clinical testing. Allele origin: germline.

NM_001110556.2(FLNA):c.2199C>T (p.Cys733=)

Gene: FLNA (filamin A; minus strand). Cytogenetic location: Xq28.
Variant type: single nucleotide variant.
Coding change: c.2199C>T on transcript NM_001110556.2 (MANE Select); coding-DNA position 2199, C replaced by T.
Protein change: p.Cys733=; no amino-acid change (cysteine 733 retained).
Molecular consequence: synonymous variant.
Genome position (GRCh38, 1-based): chrX:154,364,103, G>A on the plus strand (C>T on the coding strand, the complement: FLNA is on the minus strand). VCF-style: chrX-154364103-G-A. GRCh37 (hg19) VCF-style: chrX-153592471-G-A.
Other names: p.Cys733=; c.2199C>T, p.Cys733= (NM_001456.4).
Identifiers: ClinVar variation 1095271 (VCV001095271.15), dbSNP rs2148115769, ClinGen allele CA519709152.